The following is an entry in ClinVar:

ClinVar aggregate classification (germline): Uncertain significance (1 of 4 stars; one submission).

Conditions:
Autosomal dominant limb-girdle muscular dystrophy type 1F (LGMDD2). Also called: Limb-girdle muscular dystrophy, type 1F; MUSCULAR DYSTROPHY, LIMB-GIRDLE, AUTOSOMAL DOMINANT 2. Identifiers: Orphanet 55595, MedGen C1842062, MONDO:0012034, OMIM 608423.

Allele frequency attached by ClinVar (database versions not stated): gnomAD exomes below 0.00001.
gnomAD v4.1: 1 of 1,614,208 alleles (0.000062%); highest among the groups gnomAD compares: African/African-American, 0.0013%; no homozygotes.

Submission:

Labcorp Genetics (formerly Invitae), Labcorp
Classification: Uncertain significance for Autosomal dominant limb-girdle muscular dystrophy type 1F. Last evaluated: 2022-03-08. Review status: criteria provided, single submitter. Criteria: Invitae Variant Classification Sherloc (09022015). Collection method: clinical testing. Allele origin: germline.
Comment: This sequence change replaces glutamic acid, which is acidic and polar, with lysine, which is basic and polar, at codon 28 of the TNPO3 protein (p.Glu28Lys). This variant is present in population databases (no rsID available, gnomAD 0.007%). This variant has not been reported in the literature in individuals affected with TNPO3-related conditions. Algorithms developed to predict the effect of missense changes on protein structure and function are either unavailable or do not agree on the potential impact of this missense change (SIFT: "Tolerated"; PolyPhen-2: "Probably Damaging"; Align-GVGD: "Class C0"). In summary, the available evidence is currently insufficient to determine the role of this variant in disease. Therefore, it has been classified as a Variant of Uncertain Significance.

NM_012470.4(TNPO3):c.82G>A (p.Glu28Lys)

Genes: TNPO3 (transportin 3; minus strand), LOC129999289 (ATAC-STARR-seq lymphoblastoid active region 26616; plus strand). Cytogenetic location: 7q32.1.
Variant type: single nucleotide variant.
Coding change: c.82G>A on transcript NM_012470.4 (MANE Select); coding-DNA position 82, G replaced by A.
Protein change: p.Glu28Lys; replaces glutamic acid 28 with lysine.
Molecular consequence: missense variant. On other transcripts: non-coding transcript variant (18).
Genome position (GRCh38, 1-based): chr7:129,054,689, C>T on the plus strand (G>A on the coding strand, the complement: TNPO3 is on the minus strand). VCF-style: chr7-129054689-C-T. GRCh37 (hg19) VCF-style: chr7-128694743-C-T.
Other names: c.82G>A, p.Glu28Lys (NM_001191028.3, NM_001382216.1, NM_001382217.1 and 6 more transcripts); short protein forms E28K.
Identifiers: ClinVar variation 1946977 (VCV001946977.5), dbSNP rs1168229973, ClinGen allele CA369229407.
Genomic context (GRCh38, chr7:129,054,689, plus strand): 5'-ACTGCCTCTCTGGGCCCCTCACCGAACGCTGCAGCTCCCCAAGCCAAAAAGAGGCGCGCT[C>T]CTTTCCGCTGGGATCTGGGTCGTGGTAAAGCGCCTGCACTGCCTGGTACACGAGCTGCAA-3'
Protein context (NP_036602.1, residues 18-38): LYHDPDPSGK[Glu28Lys]RASFWLGELQ